The following continues an entry in ClinVar:

NM_007294.4(BRCA1):c.981_982del (p.Thr327_Cys328insTer)

Gene: BRCA1. ClinVar aggregate classification (germline): Pathogenic. Pathogenic (1).

Submissions 10 to 21 of 21:

Ambry Genetics
Classification: Pathogenic for Hereditary cancer-predisposing syndrome. Last evaluated: 2023-08-24. Review status: criteria provided, single submitter. Criteria: Ambry Variant Classification Scheme 2023. Collection method: clinical testing. Allele origin: germline. Not counted in ClinVar's aggregate classification.
Comment: The c.981_982delAT pathogenic mutation, located in coding exon 9 of the BRCA1 gene, results from a deletion of two nucleotides at nucleotide positions 981 to 982, causing a translational frameshift with a predicted alternate stop codon (p.C328*). This pathogenic mutation has been reported in multiple unrelated individuals with early onset breast and/or ovarian cancer and has been reported as an Asian founder mutation (Kang PC et al. Breast Cancer Res. Treat., 2014 Apr;144:635-42; Angioni S et al. Gynecol Oncol Case Rep, 2014 Aug;9:21-3; Azzollini J et al. Eur. J. Intern. Med., 2016 Jul;32:65-71; Cruz-Correa M et al. Hered Cancer Clin Pract, 2017 Jan;15:3; Shi T et al. Int. J. Cancer, 2017 05;140:2051-2059; Wu X et al. Int. J. Gynecol. Cancer, 2017 10;27:1650-1657; Sun J et al. Clin. Cancer Res., 2017 Oct;23:6113-6119; Wen WX et al. J. Med. Genet., 2018 02;55:97-103; Liang Y et al. Med. Sci. Monit., 2018 Apr;24:2465-2475; Li A et al. Gynecol. Oncol., 2018 10;151:145-152; Chan GHJ et al. Oncotarget, 2018 Jul;9:30649-30660; Deng M et al. Int. J. Cancer, 2019 09;145:1517-1528; Deng H et al. Mol Genet Genomic Med, 2019 06;7:e672; Manchana T et al. World J Clin Oncol, 2019 Nov;10:358-368). This mutation is also referred to as as 1100_1101delAT in the literature. In addition to the clinical data presented in the literature, this alteration is expected to result in loss of function by premature protein truncation or nonsense-mediated mRNA decay. As such, this alteration is interpreted as a disease-causing mutation.

3DMed Clinical Laboratory Inc
Classification: Pathogenic for Neoplasm of the breast. Last evaluated: 2017-05-31. Review status: criteria provided, single submitter. Criteria: ACMG Guidelines, 2015. Collection method: clinical testing. Allele origin: germline. Affected: yes. Not counted in ClinVar's aggregate classification.

Laboratory of Molecular Diagnosis of Cancer, West China Hospital, Sichuan University
Classification: Pathogenic for Breast neoplasm. Last evaluated: 2015-11-01. Review status: criteria provided, single submitter. Criteria: ACMG Guidelines, 2015. Collection method: research. Allele origin: germline. Affected: yes. Observed: 1 variant allele. Not counted in ClinVar's aggregate classification.

Consortium of Investigators of Modifiers of BRCA1/2 (CIMBA), c/o University of Cambridge
Classification: Pathogenic for Breast-ovarian cancer, familial, susceptibility to, 1. Last evaluated: 2015-10-02. Review status: criteria provided, single submitter. Criteria: CIMBA Mutation Classification guidelines May 2016. Collection method: clinical testing. Allele origin: germline. Not counted in ClinVar's aggregate classification.

Juno Genomics, Hangzhou Juno Genomics, Inc
Classification: Pathogenic for Breast-ovarian cancer, familial, susceptibility to, 1; Pancreatic cancer, susceptibility to, 4; Fanconi anemia, complementation group S. Review status: criteria provided, single submitter. Criteria: ACMG Guidelines, 2015. Collection method: clinical testing. Allele origin: germline. Not counted in ClinVar's aggregate classification.
Comment: Absent from controls (or at extremely low frequency if recessive) in Genome Aggregation Database.;Null variant in a gene where loss of function (LOF) is a known mechanism of disease.;Novel missense change at an amino acid residue where a different missense change determined to be pathogenic has been seen before.;The prevalence of the variant in affected individuals is significantly increased compared to the prevalence in controls.

deCODE genetics, Amgen
Classification: Pathogenic for Breast-ovarian cancer, familial, susceptibility to, 1. Last evaluated: 2023-07-21. Review status: no assertion criteria provided. Collection method: research. Allele origin: germline. Affected: yes. Observed: 1 variant allele. Not counted in ClinVar's aggregate classification.
Comment: The variant NM_007294.4:c.981_982del (chr17:43094548) in BRCA1 was detected in 1 heterozygote out of 58K WGS Icelanders (MAF= 0,001%). This variant has been reported in ClinVar previously as pathogenic. Based on ACMG criteria (PVS1, PP5) this variant classifies as pathogenic.

Research Molecular Genetics Laboratory, Women's College Hospital, University of Toronto
Classification: Pathogenic for Hereditary breast ovarian cancer syndrome. Last evaluated: 2014-01-31. Review status: no assertion criteria provided. Collection method: research. Allele origin: germline. Affected: yes. Study: The Canadian Open Genetics Repository (COGR). Not counted in ClinVar's aggregate classification.

Sharing Clinical Reports Project (SCRP)
Classification: Pathogenic for Breast-ovarian cancer, familial 1. Last evaluated: 2013-01-03. Review status: no assertion criteria provided. Collection method: clinical testing. Allele origin: germline. Not counted in ClinVar's aggregate classification.

Breast Cancer Information Core (BIC) (BRCA1)
No classification provided. Condition: Breast-ovarian cancer, familial 1. Review status: no classification provided. Collection method: clinical testing. Allele origin: germline, somatic. Affected: yes. Observed: 13 variant alleles. Not counted in ClinVar's aggregate classification.

Center for Precision Medicine, Meizhou People's Hospital
Classification: Pathogenic for Familial cancer of breast. Review status: no assertion criteria provided. Collection method: literature only. Allele origin: germline. Affected: yes. Not counted in ClinVar's aggregate classification.

Clinical Genetics DNA and cytogenetics Diagnostics Lab, Erasmus MC, Erasmus Medical Center
Classification: Pathogenic. Review status: no assertion criteria provided. Collection method: clinical testing. Allele origin: germline. Affected: yes. Study: VKGL Data-share Consensus. Not counted in ClinVar's aggregate classification.

Clinical Genetics Laboratory, Department of Pathology, Netherlands Cancer Institute
Classification: Pathogenic. Review status: no assertion criteria provided. Collection method: clinical testing. Allele origin: germline. Affected: yes. Study: VKGL Data-share Consensus. Not counted in ClinVar's aggregate classification.

Literature cited by the submitters: PubMed 25400221 (cited by Women's Health and Genetics/Laboratory Corporation of America, LabCorp); PubMed 14531499 (cited by Women's Health and Genetics/Laboratory Corporation of America, LabCorp and Color Diagnostics, LLC DBA Color Health); PubMed 27742776 (cited by Women's Health and Genetics/Laboratory Corporation of America, LabCorp); PubMed 28692638 (cited by Women's Health and Genetics/Laboratory Corporation of America, LabCorp and Ambry Genetics); PubMed 20104584 (cited by Labcorp Genetics (formerly Invitae), Labcorp); PubMed 8531968 (cited by 3 submitters); PubMed 22970155 (cited by Labcorp Genetics (formerly Invitae), Labcorp and Color Diagnostics, LLC DBA Color Health); PubMed 23479189 (cited by 3 submitters); PubMed 24578176 (cited by 3 submitters); PubMed 24961674 (cited by 3 submitters); PubMed 26026974 (cited by 3 submitters); PubMed 26187060 (cited by Labcorp Genetics (formerly Invitae), Labcorp and Color Diagnostics, LLC DBA Color Health); PubMed 26848529 (cited by Labcorp Genetics (formerly Invitae), Labcorp and Center for Precision Medicine, Meizhou People's Hospital); PubMed 27257965 (cited by 3 submitters); PubMed 28176296 (cited by Color Diagnostics, LLC DBA Color Health and Ambry Genetics); PubMed 30078507 (cited by Color Diagnostics, LLC DBA Color Health and Ambry Genetics); PubMed 30093976 (cited by Department of Pathology and Laboratory Medicine, Sinai Health System and Ambry Genetics); PubMed 30720863 (cited by Department of Pathology and Laboratory Medicine, Sinai Health System and Ambry Genetics); PubMed 30972954 (cited by Department of Pathology and Laboratory Medicine, Sinai Health System and Ambry Genetics); PubMed 31815095 (cited by Department of Pathology and Laboratory Medicine, Sinai Health System and Ambry Genetics); PubMed 29446198 (cited by Department of Pathology and Laboratory Medicine, Sinai Health System); PubMed 31209999 (cited by Department of Pathology and Laboratory Medicine, Sinai Health System); PubMed 22762150 (cited by Department of Pathology and Laboratory Medicine, Sinai Health System); PubMed 30702160 (cited by Department of Pathology and Laboratory Medicine, Sinai Health System); PubMed 31825140 (cited by Department of Pathology and Laboratory Medicine, Sinai Health System); PubMed 32906206 (cited by Department of Pathology and Laboratory Medicine, Sinai Health System); PubMed 32438681 (cited by Department of Pathology and Laboratory Medicine, Sinai Health System); PubMed 33471991 (cited by Department of Pathology and Laboratory Medicine, Sinai Health System); PubMed 25426409 (cited by Ambry Genetics); PubMed 27062684 (cited by Ambry Genetics); PubMed 28127413 (cited by Ambry Genetics); PubMed 28724667 (cited by Ambry Genetics); PubMed 28993434 (cited by Ambry Genetics); PubMed 29681614 (cited by Ambry Genetics); PubMed 15145354 (cited by 3DMed Clinical Laboratory Inc).